The following is an entry in ClinVar:

NM_002968.3(SALL1):c.645_658del (p.Arg215fs)

Gene: SALL1 (spalt like transcription factor 1; minus strand). Cytogenetic location: 16q12.1.
Variant type: Deletion.
Coding change: c.645_658del on transcript NM_002968.3 (MANE Select); coding-DNA positions 645 to 658, 14 bases deleted (GTGCGGCGGGGCCT).
Protein change: p.Arg215fs; shifts the reading frame from arginine 215.
Molecular consequence: frameshift variant.
Genome position (GRCh38, 1-based): chr16:51,141,564-51,141,577, AGGCCCCGCCGCAC deleted on the plus strand (GTGCGGCGGGGCCT on the coding strand, the reverse complement: SALL1 is on the minus strand). VCF-style (leftmost placement, unchanged base first): chr16-51141563-GAGGCCCCGCCGCAC-G. GRCh37 (hg19) VCF-style: chr16-51175474-GAGGCCCCGCCGCAC-G.
Other names: c.354_367del, p.Arg118fs (NM_001127892.2); short protein forms R118fs, R215fs.
Identifiers: ClinVar variation 3765523 (VCV003765523.1).

ClinVar aggregate classification (germline): Pathogenic (1 of 4 stars; one submission).

Conditions:
Townes-Brocks syndrome 1 (TBS1). Also called: SALL1-Related Townes-Brocks Syndrome; DEAFNESS, SENSORINEURAL, WITH IMPERFORATE ANUS AND THUMB ANOMALIES; REAR SYNDROME; RENAL-EAR-ANAL-RADIAL SYNDROME. Identifiers: Orphanet 857, MedGen C4551481, MONDO:0054581, OMIM 107480.

Submission:

Centre de Biologie Pathologie Génétique, Centre Hospitalier Universitaire de Lille
Classification: Pathogenic for Townes-Brocks syndrome 1. Last evaluated: 2025-02-27. Review status: criteria provided, single submitter. Criteria: ACMG Guidelines, 2015. Collection method: clinical testing. Allele origin: inherited. Inheritance: Autosomal dominant inheritance. Affected: yes.
Comment: PVS1 + PM2 + PP4 + PP1